The following is an entry in ClinVar:

NM_153026.3(PRICKLE1):c.914C>T (p.Thr305Met)

Genes: PRICKLE1 (prickle planar cell polarity protein 1; minus strand), LOC126861509 (BRD4-independent group 4 enhancer GRCh37_chr12:42858567-42859766; plus strand). Cytogenetic location: 12q12.
Variant type: single nucleotide variant.
Coding change: c.914C>T on transcript NM_153026.3 (MANE Select); coding-DNA position 914, C replaced by T.
Protein change: p.Thr305Met; replaces threonine 305 with methionine.
Molecular consequence: missense variant.
Genome position (GRCh38, 1-based): chr12:42,465,120, G>A on the plus strand (C>T on the coding strand, the complement: PRICKLE1 is on the minus strand). VCF-style: chr12-42465120-G-A. GRCh37 (hg19) VCF-style: chr12-42858922-G-A.
Other names: c.914C>T, p.Thr305Met (NM_001144881.2, NM_001144882.2, NM_001144883.2); short protein forms T305M.
Identifiers: ClinVar variation 661488 (VCV000661488.12), dbSNP rs375459191, ClinGen allele CA6519819.

ClinVar aggregate classification (germline): Uncertain significance. Review status: criteria provided, multiple submitters, no conflicts (2 of 4 stars). 3 submissions from 3 submitters: Uncertain significance (3). Last evaluated 2025-12-08.

Conditions:
Epilepsy, progressive myoclonic, 1B. Also called: PME. Identifiers: Orphanet 308, MedGen C2676254, MONDO:0012904, OMIM 612437.

Allele frequency attached by ClinVar (database versions not stated): gnomAD 0.00003; gnomAD exomes 0.00004; TOPMed 0.00004; ExAC 0.00007; ESP Exome Variant Server 0.00008.
gnomAD v4.1: 55 of 1,571,458 alleles (0.0035%); highest among the groups gnomAD compares: Non-Finnish European, 0.0044%; no homozygotes.

Submissions (3):

Labcorp Genetics (formerly Invitae), Labcorp
Classification: Uncertain significance for Epilepsy, progressive myoclonic, 1B. Last evaluated: 2025-12-08. Review status: criteria provided, single submitter. Criteria: Invitae Variant Classification Sherloc (09022015). Collection method: clinical testing. Allele origin: germline.
Comment: This sequence change replaces threonine, which is neutral and polar, with methionine, which is neutral and non-polar, at codon 305 of the PRICKLE1 protein (p.Thr305Met). This variant is present in population databases (rs375459191, gnomAD 0.006%). This variant has not been reported in the literature in individuals affected with PRICKLE1-related conditions. ClinVar contains an entry for this variant (Variation ID: 661488). Invitae Evidence Modeling of protein sequence and biophysical properties (such as structural, functional, and spatial information, amino acid conservation, physicochemical variation, residue mobility, and thermodynamic stability) indicates that this missense variant is not expected to disrupt PRICKLE1 protein function with a negative predictive value of 80%. In summary, the available evidence is currently insufficient to determine the role of this variant in disease. Therefore, it has been classified as a Variant of Uncertain Significance.

Ambry Genetics
Classification: Uncertain significance. Last evaluated: 2025-06-18. Review status: criteria provided, single submitter. Criteria: Ambry Variant Classification Scheme 2023. Collection method: clinical testing. Allele origin: germline.

Blueprint Genetics
Classification: Uncertain significance. Last evaluated: 2024-10-17. Review status: criteria provided, single submitter. Criteria: ACMG Guidelines, 2015. Collection method: clinical testing. Allele origin: germline.